The following is an entry in ClinVar:

NM_014975.3(MAST1):c.2361G>T (p.Glu787Asp)

Genes: MAST1 (microtubule associated serine/threonine kinase 1; plus strand), LOC112543452 (Sharpr-MPRA regulatory region 6054; plus strand). Cytogenetic location: 19p13.13.
Variant type: single nucleotide variant.
Coding change: c.2361G>T on transcript NM_014975.3 (MANE Select); coding-DNA position 2361, G replaced by T.
Protein change: p.Glu787Asp; replaces glutamic acid 787 with aspartic acid.
Molecular consequence: missense variant.
Genome position (GRCh38, 1-based): chr19:12,867,772, G>T. VCF-style: chr19-12867772-G-T. GRCh37 (hg19) VCF-style: chr19-12978586-G-T.
Other names: short protein forms E787D.
Identifiers: ClinVar variation 1027916 (VCV001027916.5), dbSNP rs1159441555, ClinGen allele CA404278774.

ClinVar aggregate classification (germline): Uncertain significance. Review status: criteria provided, multiple submitters, no conflicts (2 of 4 stars). 3 submissions from 3 submitters: Uncertain significance (3). Last evaluated 2025-02-19.

Conditions:
Mega-corpus-callosum syndrome with cerebellar hypoplasia and cortical malformations. Identifiers: MedGen C4748927, MONDO:0032648, OMIM 618273.
Inborn genetic diseases. Identifiers: MedGen C0950123, MeSH D030342.

Allele frequency attached by ClinVar (database versions not stated): gnomAD 0.00001; TOPMed 0.00001.
gnomAD v4.1: 3 of 1,556,332 alleles (0.00019%); highest among the groups gnomAD compares: African/African-American, 0.0041%; no homozygotes.

Submissions (3):

Ambry Genetics
Classification: Uncertain significance for Inborn genetic diseases. Last evaluated: 2025-02-19. Review status: criteria provided, single submitter. Criteria: Ambry Variant Classification Scheme 2023. Collection method: clinical testing. Allele origin: germline.

Labcorp Genetics (formerly Invitae), Labcorp
Classification: Uncertain significance. Last evaluated: 2023-04-30. Review status: criteria provided, single submitter. Criteria: Invitae Variant Classification Sherloc (09022015). Collection method: clinical testing. Allele origin: germline.
Comment: In summary, the available evidence is currently insufficient to determine the role of this variant in disease. Therefore, it has been classified as a Variant of Uncertain Significance. An algorithm developed to predict the effect of missense changes on protein structure and function (PolyPhen-2) suggests that this variant is likely to be tolerated. ClinVar contains an entry for this variant (Variation ID: 1027916). This variant has not been reported in the literature in individuals affected with MAST1-related conditions. This variant is not present in population databases (gnomAD no frequency). This sequence change replaces glutamic acid, which is acidic and polar, with aspartic acid, which is acidic and polar, at codon 787 of the MAST1 protein (p.Glu787Asp).

Baylor Genetics
Classification: Uncertain significance for Mega-corpus-callosum syndrome with cerebellar hypoplasia and cortical malformations. Last evaluated: 2019-07-12. Review status: criteria provided, single submitter. Criteria: ACMG Guidelines, 2015. Collection method: clinical testing. Allele origin: unknown. Affected: yes.
Comment: This variant was determined to be of uncertain significance according to ACMG Guidelines, 2015 [PMID:25741868].